The following is an entry in ClinVar:

NM_000070.3(CAPN3):c.2380+1G>C

Gene: CAPN3 (calpain 3; plus strand). Cytogenetic location: 15q15.1.
Variant type: single nucleotide variant.
Coding change: c.2380+1G>C on transcript NM_000070.3 (MANE Select); the canonical splice donor site of the intron after coding-DNA position 2380, G replaced by C.
Molecular consequence: splice donor variant.
Genome position (GRCh38, 1-based): chr15:42,411,001, G>C. VCF-style: chr15-42411001-G-C. GRCh37 (hg19) VCF-style: chr15-42703199-G-C.
Other names: c.2362+1G>C (NM_024344.2); c.2104+1G>C (NM_173087.2); c.844+1G>C (NM_173088.2); c.385+1G>C (NM_173090.2, NM_173089.2).
Identifiers: ClinVar variation 4294067 (VCV004294067.1).
Genomic context (GRCh38, chr15:42,411,001, plus strand): 5'-ACATGAACATCGACTTTGACAGTTTCATCTGCTGCTTCGTTAGGCTGGAGGGCATGTTCA[G>C]TAAGTGGGAGAGGGGGGCTGCCCTCTGCTCTCTTGCAGGGGCAGTTGTGGCAACAGGCAT-3'

ClinVar aggregate classification (germline): Pathogenic (1 of 4 stars; one submission).

Conditions:
Autosomal recessive limb-girdle muscular dystrophy type 2A (LGMDR1). Also called: LEYDEN-MOEBIUS MUSCULAR DYSTROPHY; Limb-girdle muscular dystrophy, type 2A; Calpainopathy; MUSCULAR DYSTROPHY, PELVOFEMORAL; Muscular dystrophy, limb-girdle, type 2A, Amish. Identifiers: Orphanet 267, MedGen C1869123, MONDO:0009675, OMIM 253600. Disease mechanism: loss of function.

Submission:

3billion
Classification: Pathogenic for Autosomal recessive limb-girdle muscular dystrophy type 2A. Last evaluated: 2024-07-19. Review status: criteria provided, single submitter. Criteria: ACMG Guidelines, 2015. Collection method: clinical testing. Allele origin: germline. Affected: yes.
Comment: The variant is not observed in the gnomAD v4.0.0 dataset. Predicted Consequence/Location: Canonical splice site: predicted to alter splicing and result in a loss or disruption of normal protein function. Multiple pathogenic loss-of-function variants are reported downstream of the variant. In silico tools predict the variant to alter splicing and produce an abnormal transcript [SpliceAI: 0.99 (spliceogenicity >=0.2, non-spliceogenicity <0.1)]. The variant has been reported to be associated with CAPN3 related disorder (PMID: 32994280). Therefore, this variant is classified as Pathogenic according to the recommendation of ACMG/AMP guideline.

Literature cited by the submitters: PubMed 32994280.